The following is an entry in ClinVar:

NM_000138.5(FBN1):c.5512G>T (p.Gly1838Cys)

Gene: FBN1 (fibrillin 1; minus strand). Cytogenetic location: 15q21.1.
Variant type: single nucleotide variant.
Coding change: c.5512G>T on transcript NM_000138.5 (MANE Select); coding-DNA position 5512, G replaced by T.
Protein change: p.Gly1838Cys; replaces glycine 1838 with cysteine.
Molecular consequence: missense variant.
Genome position (GRCh38, 1-based): chr15:48,452,595, C>A on the plus strand (G>T on the coding strand, the complement: FBN1 is on the minus strand). VCF-style: chr15-48452595-C-A. GRCh37 (hg19) VCF-style: chr15-48744792-C-A.
Other names: short protein forms G1838C.
Identifiers: ClinVar variation 42386 (VCV000042386.21), dbSNP rs397515823, ClinGen allele CA015847.

ClinVar aggregate classification (germline): Likely pathogenic. Review status: criteria provided, multiple submitters, no conflicts (2 of 4 stars). 4 submissions from 4 submitters: Likely pathogenic (4). Last evaluated 2021-03-01.

Conditions:
Marfan Syndrome/Loeys-Dietz Syndrome/Familial Thoracic Aortic Aneurysms and Dissections. Identifiers: MedGen CN229799.
Familial thoracic aortic aneurysm and aortic dissection (TAAD). Also called: Thoracic aortic aneurysms and dissections. Identifiers: Orphanet 91387, MedGen C4707243, MONDO:0019625.
Marfan syndrome (MFS). Also called: FBN1-Related Marfan Syndrome; Marfan syndrome, classic; MARFAN SYNDROME, TYPE I; Marfan syndrome type 1; Marfan's syndrome. Identifiers: Orphanet 284963, Orphanet 558, MedGen C0024796, MONDO:0007947, OMIM 154700.

Submissions (4):

Centre of Medical Genetics, University of Antwerp
Classification: Likely pathogenic for Marfan syndrome. Last evaluated: 2021-03-01. Review status: criteria provided, single submitter. Criteria: Submitter's publication. Collection method: research. Allele origin: unknown. Affected: yes. Observed: 2 variant alleles.
Comment: PM2, PS5, PP4

CHEO Genetics Diagnostic Laboratory, Children's Hospital of Eastern Ontario
Classification: Likely pathogenic for Familial thoracic aortic aneurysm and aortic dissection. Last evaluated: 2020-12-22. Review status: criteria provided, single submitter. Criteria: ACMG Guidelines, 2015. Collection method: clinical testing. Allele origin: germline.

Laboratory for Molecular Medicine, Mass General Brigham Personalized Medicine
Classification: Likely pathogenic for Marfan syndrome. Last evaluated: 2017-09-26. Review status: criteria provided, single submitter. Criteria: LMM Criteria. Collection method: clinical testing. Allele origin: germline. Inheritance: Autosomal dominant inheritance. Observed: 3 variant alleles.
Comment: The p.Gly1838Cys variant in FBN1 has been identified in 3 individuals with clini cal features of Marfan syndrome (Ganesh 2006, Beatens 2011, LMM data) and was ab sent from large population studies. Computational prediction tools and conservat ion analysis suggest that the p.Gly1838Cys variant may impact the protein, thoug h this information is not predictive enough to determine pathogenicity. In addit ion, one study observed abnormal fibril patterns using firbilin-1 staining in ti ssue from an individual who carried this variant (Ganesh 2006). In summary, alth ough additional studies are required to fully establish its clinical significanc e, the p.Gly1838Cys variant is likely pathogenic. ACMG/AMP Criteria applied: PM2 ; PS4_Moderate; PP3; PS3_Supporting (Richards 2015).

Women's Health and Genetics/Laboratory Corporation of America, LabCorp
Classification: Likely pathogenic for Marfan Syndrome/Loeys-Dietz Syndrome/Familial Thoracic Aortic Aneurysms and Dissections. Last evaluated: 2016-06-14. Review status: criteria provided, single submitter. Criteria: LabCorp Variant Classification Summary - May 2015. Collection method: clinical testing. Allele origin: germline.
Comment: Variant Summary: The FBN1 c.5512G>T (p.Gly1838Cys) variant causes a missense change involving a conserved nucleotide with 4/4 in silico programs (SNPs&GO not captured here due to low reliability index) predicting a "deleterious" outcome, although these predictions have yet to be functionally assessed. However, this missense mutation involved a highly conserved Gly residue, replacing it with a Cys. "The sulfhydryl group of cysteine is unique in its ability to participate in disulfide covalent cross-linkage . In fact, two thirds of fibrillin cysteine residues exist in the half-cystinyl form, suggesting their participation in intramolecular disulfide linkage. The cysteine residues in the EGF-like motif may also be necessary for intermolecular interactions with other fibrillin molecules or with other proteins (Dietz_1992)." Therefore, a missense change to a cysteine residue could disrupt normal disulfide binding, effecting secondary or tertiary structure, or possibly impairing fibrillin interactions. In addition, the variant of interest was absent in 121354 control chromosomes, has been reported in affected individuals via publications, and one clinical lab has classified the variant as pathogenic. Therefore, taking all available lines of evidence, the variant of interest is classified as Likely Pathogenic until additional information becomes available.

Literature cited by the submitters: PubMed 16476890 (cited by Laboratory for Molecular Medicine, Mass General Brigham Personalized Medicine and Women's Health and Genetics/Laboratory Corporation of America, LabCorp); PubMed 21542060 (cited by Laboratory for Molecular Medicine, Mass General Brigham Personalized Medicine and Women's Health and Genetics/Laboratory Corporation of America, LabCorp); PubMed 25907466 (cited by Women's Health and Genetics/Laboratory Corporation of America, LabCorp).